The following is an entry in ClinVar:

ClinVar aggregate classification (germline): Uncertain significance (1 of 4 stars; one submission).

Allele frequency attached by ClinVar (database versions not stated): ExAC 0.00002.

Submission:

Labcorp Genetics (formerly Invitae), Labcorp
Classification: Uncertain significance. Last evaluated: 2022-09-12. Review status: criteria provided, single submitter. Criteria: Invitae Variant Classification Sherloc (09022015). Collection method: clinical testing. Allele origin: germline.
Comment: This sequence change replaces arginine, which is basic and polar, with tryptophan, which is neutral and slightly polar, at codon 29 of the UBE3B protein (p.Arg29Trp). The frequency data for this variant in the population databases is considered unreliable, as metrics indicate poor data quality at this position in the gnomAD database. This variant has not been reported in the literature in individuals affected with UBE3B-related conditions. Advanced modeling of protein sequence and biophysical properties (such as structural, functional, and spatial information, amino acid conservation, physicochemical variation, residue mobility, and thermodynamic stability) performed at Invitae indicates that this missense variant is not expected to disrupt UBE3B protein function. In summary, the available evidence is currently insufficient to determine the role of this variant in disease. Therefore, it has been classified as a Variant of Uncertain Significance.

NM_130466.4(UBE3B):c.85C>T (p.Arg29Trp)

Gene: UBE3B (ubiquitin protein ligase E3B; plus strand). Cytogenetic location: 12q24.11.
Variant type: single nucleotide variant.
Coding change: c.85C>T on transcript NM_130466.4 (MANE Select); coding-DNA position 85, C replaced by T.
Protein change: p.Arg29Trp; replaces arginine 29 with tryptophan.
Molecular consequence: missense variant.
Genome position (GRCh38, 1-based): chr12:109,483,636, C>T. VCF-style: chr12-109483636-C-T. GRCh37 (hg19) VCF-style: chr12-109921441-C-T.
Other names: c.85C>T, p.Arg29Trp (NM_001270449.2, NM_001270450.2, NM_001270451.2 and 1 more transcripts); short protein forms R29W.
Identifiers: ClinVar variation 2195825 (VCV002195825.4), dbSNP rs765224973, ClinGen allele CA6777376.